The following is an entry in ClinVar:

NM_006393.3(NEBL):c.2935G>A (p.Asp979Asn)

Gene: NEBL (nebulette; minus strand). Cytogenetic location: 10p12.31.
Variant type: single nucleotide variant.
Coding change: c.2935G>A on transcript NM_006393.3 (MANE Select); coding-DNA position 2935, G replaced by A.
Protein change: p.Asp979Asn; replaces aspartic acid 979 with asparagine.
Molecular consequence: missense variant. On other transcripts: 3 prime UTR variant (1).
Genome position (GRCh38, 1-based): chr10:20,785,857, C>T on the plus strand (G>A on the coding strand, the complement: NEBL is on the minus strand). VCF-style: chr10-20785857-C-T. GRCh37 (hg19) VCF-style: chr10-21074786-C-T.
Other names: c.*26G>A (NM_001173484.2); c.796G>A, p.Asp266Asn (NM_001377322.1); c.655G>A, p.Asp219Asn (NM_001377323.1); c.646G>A, p.Asp216Asn (NM_001377324.1); c.637G>A, p.Asp213Asn (NM_001377325.1); c.595G>A, p.Asp199Asn (NM_001377326.1, NM_001377327.1, NM_001377328.1); c.703G>A, p.Asp235Asn (NM_213569.2); short protein forms D216N, D219N, D266N, D213N, D199N, D235N, D979N.
Identifiers: ClinVar variation 2957307 (VCV002957307.3), dbSNP rs1835361733, ClinGen allele CA376092227.
Genomic context (GRCh38, chr10:20,785,857, plus strand): 5'-TTCTCTGCACTGTGCCGTACATCCAGCCATCGTCAATAGGCTGCACGTTGACGATGTAGT[C>T]GCCGTCTCTAAAGGAGACCTCGTCTTCATCCTGGGCACTGTAATCGTACATGGCTCGGTA-3'
Protein context (NP_006384.1, residues 969-989): DEDEVSFRDG[Asp979Asn]YIVNVQPIDD

ClinVar aggregate classification (germline): Uncertain significance (1 of 4 stars; one submission).

Conditions:
Primary dilated cardiomyopathy (DCM). Also called: Dilated Cardiomyopathy. Identifiers: Orphanet 217604, MedGen C0007193, MeSH D002311, MONDO:0005021, HP:0001644. Inheritance: Various modes of inheritance.

gnomAD v4.1: 1 of 1,613,990 alleles (0.000062%); highest among the groups gnomAD compares: Non-Finnish European, 0.000085%; no homozygotes.

Submission:

Labcorp Genetics (formerly Invitae), Labcorp
Classification: Uncertain significance for Primary dilated cardiomyopathy. Last evaluated: 2023-07-26. Review status: criteria provided, single submitter. Criteria: Invitae Variant Classification Sherloc (09022015). Collection method: clinical testing. Allele origin: germline.
Comment: In summary, the available evidence is currently insufficient to determine the role of this variant in disease. Therefore, it has been classified as a Variant of Uncertain Significance. An algorithm developed to predict the effect of missense changes on protein structure and function (PolyPhen-2) suggests that this variant is likely to be disruptive. This variant has not been reported in the literature in individuals affected with NEBL-related conditions. This variant is not present in population databases (gnomAD no frequency). This sequence change replaces aspartic acid, which is acidic and polar, with asparagine, which is neutral and polar, at codon 979 of the NEBL protein (p.Asp979Asn).